The following is an entry in ClinVar:

NM_017617.5(NOTCH1):c.4371C>T (p.Asp1457=)

Gene: NOTCH1 (notch receptor 1; minus strand). Cytogenetic location: 9q34.3.
Variant type: single nucleotide variant.
Coding change: c.4371C>T on transcript NM_017617.5 (MANE Select); coding-DNA position 4371, C replaced by T.
Protein change: p.Asp1457=; no amino-acid change (aspartic acid 1457 retained).
Molecular consequence: synonymous variant.
Genome position (GRCh38, 1-based): chr9:136,505,525, G>A on the plus strand (C>T on the coding strand, the complement: NOTCH1 is on the minus strand). VCF-style: chr9-136505525-G-A. GRCh37 (hg19) VCF-style: chr9-139399977-G-A.
Other names: c.4371C>T, p.Asp1457= (LRG_1122t1); c.4371C>T (NM_017617.4).
Identifiers: ClinVar variation 415391 (VCV000415391.15), dbSNP rs368677987, ClinGen allele CA5340630.

ClinVar aggregate classification (germline): Likely benign. Review status: criteria provided, multiple submitters, no conflicts (2 of 4 stars). 3 submissions from 3 submitters: Likely benign (2). 1 of the submissions does not count toward it. Last evaluated 2023-06-05.

Conditions:
Familial thoracic aortic aneurysm and aortic dissection (TAAD). Also called: Thoracic aortic aneurysms and dissections. Identifiers: Orphanet 91387, MedGen C4707243, MONDO:0019625.
NOTCH1-related disorder. Also called: NOTCH1-related disorders; NOTCH1-related condition.
Adams-Oliver syndrome 5 (AOS5). Identifiers: Orphanet 974, MedGen C4014970, MONDO:0014459, OMIM 616028.

Allele frequency attached by ClinVar (database versions not stated): TOPMed below 0.00001; gnomAD 0.00001; gnomAD exomes 0.00004 and 0.00006; ESP Exome Variant Server 0.00008; ExAC 0.00009; 1000 Genomes Project 30x 0.00016; 1000 Genomes Project 0.00020.
gnomAD v4.1: 55 of 1,612,410 alleles (0.0034%); highest among the groups gnomAD compares: South Asian, 0.044%; no homozygotes.

Submissions (3):

Ambry Genetics
Classification: Likely benign for Familial thoracic aortic aneurysm and aortic dissection. Last evaluated: 2023-06-05. Review status: criteria provided, single submitter. Criteria: Ambry Variant Classification Scheme 2023. Collection method: clinical testing. Allele origin: germline.

Labcorp Genetics (formerly Invitae), Labcorp
Classification: Likely benign for Adams-Oliver syndrome 5. Last evaluated: 2023-03-08. Review status: criteria provided, single submitter. Criteria: Invitae Variant Classification Sherloc (09022015). Collection method: clinical testing. Allele origin: germline.

PreventionGenetics, part of Exact Sciences
Classification: Likely benign for NOTCH1-related condition. Last evaluated: 2019-12-30. Review status: no assertion criteria provided. Collection method: clinical testing. Allele origin: germline. Not counted in ClinVar's aggregate classification.
Comment: This variant is classified as likely benign based on ACMG/AMP sequence variant interpretation guidelines (Richards et al. 2015 PMID: 25741868, with internal and published modifications).